The following is an entry in ClinVar:

ClinVar aggregate classification (germline): Uncertain significance. Review status: criteria provided, multiple submitters, no conflicts (2 of 4 stars). 3 submissions from 3 submitters: Uncertain significance (3). Last evaluated 2025-11-24.

Conditions:
Gastrointestinal stromal tumor. Also called: Gastrointestinal stromal tumor, somatic; Gastrointestinal stroma tumor. Identifiers: Orphanet 44890, MedGen C0238198, MeSH D046152, MONDO:0011719, OMIM 606764, HP:0100723.
Hereditary cancer-predisposing syndrome. Also called: Hereditary neoplastic syndrome; Neoplastic Syndromes, Hereditary; Hereditary Cancer Syndrome; Tumor predisposition. Identifiers: Orphanet 140162, MedGen C0027672, MeSH D009386, MONDO:0015356.
Polyps, multiple and recurrent inflammatory fibroid, gastrointestinal. Identifiers: MedGen C5193005, MONDO:0008285, OMIM 175510.

Allele frequency attached by ClinVar (database versions not stated): gnomAD 0.00001; TOPMed 0.00001; gnomAD exomes 0.00002; ExAC 0.00003.
gnomAD v4.1: 29 of 1,613,442 alleles (0.0018%); highest among the groups gnomAD compares: South Asian, 0.0099%; no homozygotes.

Submissions (3):

Labcorp Genetics (formerly Invitae), Labcorp
Classification: Uncertain significance for Gastrointestinal stromal tumor. Last evaluated: 2025-11-24. Review status: criteria provided, single submitter. Criteria: Invitae Variant Classification Sherloc (09022015). Collection method: clinical testing. Allele origin: germline.
Comment: This sequence change replaces tyrosine, which is neutral and polar, with cysteine, which is neutral and slightly polar, at codon 768 of the PDGFRA protein (p.Tyr768Cys). This variant is present in population databases (rs61735625, gnomAD 0.01%). This variant has not been reported in the literature in individuals affected with PDGFRA-related conditions. ClinVar contains an entry for this variant (Variation ID: 937134). Invitae Evidence Modeling of protein sequence and biophysical properties (such as structural, functional, and spatial information, amino acid conservation, physicochemical variation, residue mobility, and thermodynamic stability) indicates that this missense variant is not expected to disrupt PDGFRA protein function with a negative predictive value of 80%. Algorithms developed to predict the effect of sequence changes on RNA splicing suggest that this variant may disrupt the consensus splice site. In summary, the available evidence is currently insufficient to determine the role of this variant in disease. Therefore, it has been classified as a Variant of Uncertain Significance.

Ambry Genetics
Classification: Uncertain significance for Hereditary cancer-predisposing syndrome. Last evaluated: 2024-11-07. Review status: criteria provided, single submitter. Criteria: Ambry Variant Classification Scheme 2023. Collection method: clinical testing. Allele origin: germline.
Comment: The p.Y768C variant (also known as c.2303A>G), located in coding exon 15 of the PDGFRA gene, results from an A to G substitution at nucleotide position 2303. The tyrosine at codon 768 is replaced by cysteine, an amino acid with highly dissimilar properties. This amino acid position is not well conserved in available vertebrate species. In addition, the in silico prediction for this alteration is inconclusive. Since supporting evidence is limited at this time, the clinical significance of this alteration remains unclear.

Baylor Genetics
Classification: Uncertain significance for Polyps, multiple and recurrent inflammatory fibroid, gastrointestinal. Last evaluated: 2023-10-18. Review status: criteria provided, single submitter. Criteria: ACMG Guidelines, 2015. Collection method: clinical testing. Allele origin: unknown.

NM_006206.6(PDGFRA):c.2303A>G (p.Tyr768Cys)

Gene: PDGFRA (platelet derived growth factor receptor alpha; plus strand). Cytogenetic location: 4q12.
Variant type: single nucleotide variant.
Coding change: c.2303A>G on transcript NM_006206.6 (MANE Select); coding-DNA position 2303, A replaced by G.
Protein change: p.Tyr768Cys; replaces tyrosine 768 with cysteine.
Molecular consequence: missense variant.
Genome position (GRCh38, 1-based): chr4:54,280,462, A>G. VCF-style: chr4-54280462-A-G. GRCh37 (hg19) VCF-style: chr4-55146629-A-G.
Other names: c.2303A>G, p.Tyr768Cys (NM_001347827.2, NM_001347829.2); c.2378A>G, p.Tyr793Cys (NM_001347828.2); c.2342A>G, p.Tyr781Cys (NM_001347830.2); short protein forms Y793C, Y768C, Y781C.
Identifiers: ClinVar variation 937134 (VCV000937134.20), dbSNP rs61735625, ClinGen allele CA2922804.
Genomic context (GRCh38, chr4:54,280,462, plus strand): 5'-GGAAAGAGGTTTCTAAATATTCCGACATCCAGAGATCACTCTATGATCGTCCAGCCTCAT[A>G]TAAGAAGAAATCTATGTTAGGTAAAAGTGTCTATACTCACTCTGGGTGTTGGGACTTTCC-3'
Protein context (NP_006197.1, residues 758-778): QRSLYDRPAS[Tyr768Cys]KKKSMLDSEV